The following is an entry in ClinVar:

NM_017514.5(PLXNA3):c.2871C>T (p.Gly957=)

Gene: PLXNA3 (plexin A3; plus strand). Cytogenetic location: Xq28.
Variant type: single nucleotide variant.
Coding change: c.2871C>T on transcript NM_017514.5 (MANE Select); coding-DNA position 2871, C replaced by T.
Protein change: p.Gly957=; no amino-acid change (glycine 957 retained).
Molecular consequence: synonymous variant.
Genome position (GRCh38, 1-based): chrX:154,466,447, C>T. VCF-style: chrX-154466447-C-T. GRCh37 (hg19) VCF-style: chrX-153694790-C-T.
Other names: NC_000023.10:g.153694790C>T.
Identifiers: ClinVar variation 4479298 (VCV004479298.2).

ClinVar aggregate classification (germline): Uncertain significance (1 of 4 stars; one submission).

Conditions:
PLXNA3-related disorder. Also called: PLXNA3-related condition.

gnomAD v4.1: 1 of 1,210,922 alleles (0.000083%); highest among the groups gnomAD compares: African/African-American, 0.0017%; no homozygotes.

Submissions (2):

PreventionGenetics, part of Exact Sciences
Classification: Uncertain significance for PLXNA3-related condition. Last evaluated: 2026-01-29. Review status: criteria provided, single submitter. Criteria: ACMG Guidelines, 2015. Collection method: clinical testing. Allele origin: germline.
Comment: The PLXNA3 c.2871C>T variant is not predicted to result in an amino acid change (p.=). This variant is predicted to alter splicing based on available splicing prediction programs (SpliceAI, Jaganathan et al. 2019. PubMed ID: 30661751). However, the use of computer prediction programs is not equivalent to functional evidence. To our knowledge, this variant has not been reported in the literature or in a large population database (gnomAD), indicating this variant is rare. At this time, the clinical significance of this variant is uncertain due to the absence of conclusive functional and genetic evidence.

Dr. Peter K. Rogan Lab, Western University
No classification provided (evidence only). Condition: Thyroid cancer, nonmedullary, 1. Review status: no classification provided. Collection method: in vitro. Allele origin: not applicable. Functional consequence: retained intron. Not counted in ClinVar's aggregate classification.